The following is an entry in ClinVar:

ClinVar aggregate classification (germline): Uncertain significance (1 of 4 stars; one submission).

Allele frequency attached by ClinVar (database versions not stated): TOPMed 0.00001.

Submission:

Labcorp Genetics (formerly Invitae), Labcorp
Classification: Uncertain significance. Last evaluated: 2021-08-30. Review status: criteria provided, single submitter. Criteria: Invitae Variant Classification Sherloc (09022015). Collection method: clinical testing. Allele origin: germline.
Comment: This sequence change replaces leucine with histidine at codon 7 of the CLCC1 protein (p.Leu7His). The leucine residue is highly conserved and there is a moderate physicochemical difference between leucine and histidine. This variant is not present in population databases (ExAC no frequency). This variant has not been reported in the literature in individuals affected with CLCC1-related conditions. Algorithms developed to predict the effect of missense changes on protein structure and function are either unavailable or do not agree on the potential impact of this missense change (SIFT: "Deleterious"; PolyPhen-2: "Not Available"; Align-GVGD: "Class C0"). In summary, the available evidence is currently insufficient to determine the role of this variant in disease. Therefore, it has been classified as a Variant of Uncertain Significance.

NM_001377458.1(CLCC1):c.20T>A (p.Leu7His)

Gene: CLCC1 (chloride channel CLIC like 1; minus strand). Cytogenetic location: 1p13.3.
Variant type: single nucleotide variant.
Coding change: c.20T>A on transcript NM_001377458.1 (MANE Select); coding-DNA position 20, T replaced by A.
Protein change: p.Leu7His; replaces leucine 7 with histidine.
Molecular consequence: missense variant. On other transcripts: 5 prime UTR variant (1), non-coding transcript variant (1).
Genome position (GRCh38, 1-based): chr1:108,950,418, A>T on the plus strand (T>A on the coding strand, the complement: CLCC1 is on the minus strand). VCF-style: chr1-108950418-A-T. GRCh37 (hg19) VCF-style: chr1-109493040-A-T.
Other names: c.20T>A, p.Leu7His (NM_001048210.3, NM_001278202.2, NM_001278203.1 and 12 more transcripts); c.-443T>A (NM_001377470.1); short protein forms L7H.
Identifiers: ClinVar variation 1412071 (VCV001412071.6), dbSNP rs1655037576, ClinGen allele CA341466972.